The following is an entry in ClinVar:

NM_006946.4(SPTBN2):c.189C>G (p.Phe63Leu)

Gene: SPTBN2 (spectrin beta, non-erythrocytic 2; minus strand). Cytogenetic location: 11q13.2.
Variant type: single nucleotide variant.
Coding change: c.189C>G on transcript NM_006946.4 (MANE Select); coding-DNA position 189, C replaced by G.
Protein change: p.Phe63Leu; replaces phenylalanine 63 with leucine.
Molecular consequence: missense variant.
Genome position (GRCh38, 1-based): chr11:66,715,950, G>C on the plus strand (C>G on the coding strand, the complement: SPTBN2 is on the minus strand). VCF-style: chr11-66715950-G-C. GRCh37 (hg19) VCF-style: chr11-66483421-G-C.
Other names: short protein forms F63L.
Identifiers: ClinVar variation 1695453 (VCV001695453.2), dbSNP rs2135526260, ClinGen allele CA381484377.

ClinVar aggregate classification (germline): Uncertain significance (1 of 4 stars; one submission).

Submission:

GeneDx
Classification: Uncertain significance. Last evaluated: 2022-01-11. Review status: criteria provided, single submitter. Criteria: GeneDx Variant Classification Process June 2021. Collection method: clinical testing. Allele origin: germline. Affected: yes.
Comment: Not observed at significant frequency in large population cohorts (gnomAD); In silico analysis supports that this missense variant has a deleterious effect on protein structure/function; Has not been previously published as pathogenic or benign to our knowledge